The following is an entry in ClinVar:

NM_003482.4(KMT2D):c.5202C>T (p.Asp1734=)

Gene: KMT2D (lysine methyltransferase 2D; minus strand). Cytogenetic location: 12q13.12.
Variant type: single nucleotide variant.
Coding change: c.5202C>T on transcript NM_003482.4 (MANE Select); coding-DNA position 5202, C replaced by T.
Protein change: p.Asp1734=; no amino-acid change (aspartic acid 1734 retained).
Molecular consequence: synonymous variant.
Genome position (GRCh38, 1-based): chr12:49,043,985, G>A on the plus strand (C>T on the coding strand, the complement: KMT2D is on the minus strand). VCF-style: chr12-49043985-G-A. GRCh37 (hg19) VCF-style: chr12-49437768-G-A.
Other names: c.5202C>T (NM_003482.3).
Identifiers: ClinVar variation 1651115 (VCV001651115.10), dbSNP rs377753965, ClinGen allele CA6547585.

ClinVar aggregate classification (germline): Likely benign. Review status: criteria provided, single submitter (1 of 4 stars). 2 submissions from 2 submitters: Likely benign (1). 1 of the submissions does not count toward it. Last evaluated 2025-12-17.

Conditions:
Kabuki syndrome. Also called: Kabuki make-up syndrome; NIIKAWA-KUROKI SYNDROME. Identifiers: Orphanet 2322, MedGen C0796004, MONDO:0016512.
KMT2D-related disorder. Also called: KMT2D-Related Disorders.

Allele frequency attached by ClinVar (database versions not stated): gnomAD exomes 0.00002 and 0.00004; ExAC 0.00005; gnomAD 0.00015 and 0.00016; ESP Exome Variant Server 0.00016; TOPMed 0.00017.
gnomAD v4.1: 53 of 1,613,914 alleles (0.0033%); highest among the groups gnomAD compares: African/African-American, 0.057%; no homozygotes.

Submissions (2):

Labcorp Genetics (formerly Invitae), Labcorp
Classification: Likely benign for Kabuki syndrome. Last evaluated: 2025-12-17. Review status: criteria provided, single submitter. Criteria: Invitae Variant Classification Sherloc (09022015). Collection method: clinical testing. Allele origin: germline.

PreventionGenetics, part of Exact Sciences
Classification: Likely benign for KMT2D-related condition. Last evaluated: 2021-09-01. Review status: no assertion criteria provided. Collection method: clinical testing. Allele origin: germline. Not counted in ClinVar's aggregate classification.
Comment: This variant is classified as likely benign based on ACMG/AMP sequence variant interpretation guidelines (Richards et al. 2015 PMID: 25741868, with internal and published modifications).